The following is an entry in ClinVar:

NM_004104.5(FASN):c.1912G>A (p.Val638Met)

Gene: FASN (fatty acid synthase; minus strand). Cytogenetic location: 17q25.3.
Variant type: single nucleotide variant.
Coding change: c.1912G>A on transcript NM_004104.5 (MANE Select); coding-DNA position 1912, G replaced by A.
Protein change: p.Val638Met; replaces valine 638 with methionine.
Molecular consequence: missense variant.
Genome position (GRCh38, 1-based): chr17:82,089,685, C>T on the plus strand (G>A on the coding strand, the complement: FASN is on the minus strand). VCF-style: chr17-82089685-C-T. GRCh37 (hg19) VCF-style: chr17-80047561-C-T.
Other names: short protein forms V638M.
Identifiers: ClinVar variation 1978075 (VCV001978075.5), dbSNP rs1333582004, ClinGen allele CA401559384.

ClinVar aggregate classification (germline): Uncertain significance (1 of 4 stars; one submission).

Conditions:
Epileptic encephalopathy. Identifiers: MedGen C0543888, HP:0200134.

gnomAD v4.1: 2 of 1,590,326 alleles (0.00013%); highest among the groups gnomAD compares: Non-Finnish European, 0.00017%; no homozygotes.

Submission:

Labcorp Genetics (formerly Invitae), Labcorp
Classification: Uncertain significance for Epileptic encephalopathy. Last evaluated: 2022-03-18. Review status: criteria provided, single submitter. Criteria: Invitae Variant Classification Sherloc (09022015). Collection method: clinical testing. Allele origin: germline.
Comment: This variant has not been reported in the literature in individuals affected with FASN-related conditions. This sequence change replaces valine, which is neutral and non-polar, with methionine, which is neutral and non-polar, at codon 638 of the FASN protein (p.Val638Met). This variant is not present in population databases (gnomAD no frequency). Algorithms developed to predict the effect of missense changes on protein structure and function are either unavailable or do not agree on the potential impact of this missense change (SIFT: "Deleterious"; PolyPhen-2: "Probably Damaging"; Align-GVGD: "Class C0"). In summary, the available evidence is currently insufficient to determine the role of this variant in disease. Therefore, it has been classified as a Variant of Uncertain Significance.